The following is an entry in ClinVar:

ClinVar aggregate classification (germline): Uncertain significance (1 of 4 stars; one submission).

Conditions:
Hereditary cancer-predisposing syndrome. Also called: Neoplastic Syndromes, Hereditary; Tumor predisposition; Hereditary Cancer Syndrome; Hereditary neoplastic syndrome. Identifiers: Orphanet 140162, MedGen C0027672, MeSH D009386, MONDO:0015356.

Submission:

Ambry Genetics
Classification: Uncertain significance for Hereditary cancer-predisposing syndrome. Last evaluated: 2026-03-13. Review status: criteria provided, single submitter. Criteria: Ambry Variant Classification Scheme 2023. Collection method: clinical testing. Allele origin: germline.
Comment: The p.S657N variant (also known as c.1970G>A), located in coding exon 12 of the SMARCA4 gene, results from a G to A substitution at nucleotide position 1970. The serine at codon 657 is replaced by asparagine, an amino acid with highly similar properties. This amino acid position is conserved. In addition, this alteration is predicted to be tolerated by in silico analysis. Based on the available evidence, the clinical significance of this variant remains unclear.

NM_003072.5(SMARCA4):c.1970G>A (p.Ser657Asn)

Gene: SMARCA4 (SWI/SNF related BAF chromatin remodeling complex subunit ATPase 4; plus strand). Cytogenetic location: 19p13.2.
Variant type: single nucleotide variant.
Coding change: c.1970G>A on transcript NM_003072.5 (MANE Select); coding-DNA position 1970, G replaced by A.
Protein change: p.Ser657Asn; replaces serine 657 with asparagine.
Molecular consequence: missense variant. On other transcripts: non-coding transcript variant (1).
Genome position (GRCh38, 1-based): chr19:11,003,366, G>A. VCF-style: chr19-11003366-G-A. GRCh37 (hg19) VCF-style: chr19-11114042-G-A.
Other names: c.1970G>A, p.Ser657Asn (NM_001128844.3, NM_001128845.2, NM_001128846.2 and 6 more transcripts); short protein forms S657N.
Identifiers: ClinVar variation 4827340 (VCV004827340.1).